The following is an entry in ClinVar:

ClinVar aggregate classification (germline): Uncertain significance (1 of 4 stars; one submission).

Allele frequency attached by ClinVar (database versions not stated): gnomAD exomes below 0.00001.

Submission:

Labcorp Genetics (formerly Invitae), Labcorp
Classification: Uncertain significance. Last evaluated: 2023-11-28. Review status: criteria provided, single submitter. Criteria: Invitae Variant Classification Sherloc (09022015). Collection method: clinical testing. Allele origin: germline.
Comment: This sequence change replaces methionine, which is neutral and non-polar, with threonine, which is neutral and polar, at codon 1119 of the ERBIN protein (p.Met1119Thr). This variant is not present in population databases (gnomAD no frequency). This variant has not been reported in the literature in individuals affected with ERBIN-related conditions. ClinVar contains an entry for this variant (Variation ID: 1435091). An algorithm developed to predict the effect of missense changes on protein structure and function (PolyPhen-2) suggests that this variant is likely to be tolerated. In summary, the available evidence is currently insufficient to determine the role of this variant in disease. Therefore, it has been classified as a Variant of Uncertain Significance.

NM_001253697.2(ERBIN):c.3356T>C (p.Met1119Thr)

Gene: ERBIN (erbb2 interacting protein; plus strand). Cytogenetic location: 5q12.3.
Variant type: single nucleotide variant.
Coding change: c.3356T>C on transcript NM_001253697.2 (MANE Select); coding-DNA position 3356, T replaced by C.
Protein change: p.Met1119Thr; replaces methionine 1119 with threonine.
Molecular consequence: missense variant.
Genome position (GRCh38, 1-based): chr5:66,054,674, T>C. VCF-style: chr5-66054674-T-C. GRCh37 (hg19) VCF-style: chr5-65350502-T-C.
Other names: c.3356T>C, p.Met1119Thr (NM_001006600.3, NM_001253698.2, NM_001253699.2 and 1 more transcripts); c.3344T>C, p.Met1115Thr (NM_001253701.2); short protein forms M1119T, M1115T.
Identifiers: ClinVar variation 1435091 (VCV001435091.6), dbSNP rs1759415451, ClinGen allele CA359869660.